The following is an entry in ClinVar:

ClinVar aggregate classification (germline): Uncertain significance (1 of 4 stars; one submission).

Conditions:
Oligodontia-cancer predisposition syndrome. Also called: TOOTH AGENESIS-COLORECTAL CANCER SYNDROME. Identifiers: Orphanet 300576, MedGen C1837750, MONDO:0012075, OMIM 608615. Disease mechanism: loss of function.

Submission:

Labcorp Genetics (formerly Invitae), Labcorp
Classification: Uncertain significance for Oligodontia-cancer predisposition syndrome. Last evaluated: 2021-11-30. Review status: criteria provided, single submitter. Criteria: Invitae Variant Classification Sherloc (09022015). Collection method: clinical testing. Allele origin: germline.
Comment: In summary, the available evidence is currently insufficient to determine the role of this variant in disease. Therefore, it has been classified as a Variant of Uncertain Significance. Algorithms developed to predict the effect of missense changes on protein structure and function are either unavailable or do not agree on the potential impact of this missense change (SIFT: "Deleterious"; PolyPhen-2: "Benign"; Align-GVGD: "Class C0"). This variant has not been reported in the literature in individuals affected with AXIN2-related conditions. This variant is not present in population databases (gnomAD no frequency). This sequence change replaces isoleucine, which is neutral and non-polar, with phenylalanine, which is neutral and non-polar, at codon 398 of the AXIN2 protein (p.Ile398Phe).

NM_004655.4(AXIN2):c.1192A>T (p.Ile398Phe)

Gene: AXIN2 (axin 2; minus strand). Cytogenetic location: 17q24.1.
Variant type: single nucleotide variant.
Coding change: c.1192A>T on transcript NM_004655.4 (MANE Select); coding-DNA position 1192, A replaced by T.
Protein change: p.Ile398Phe; replaces isoleucine 398 with phenylalanine.
Molecular consequence: missense variant.
Genome position (GRCh38, 1-based): chr17:65,538,211, T>A on the plus strand (A>T on the coding strand, the complement: AXIN2 is on the minus strand). VCF-style: chr17-65538211-T-A. GRCh37 (hg19) VCF-style: chr17-63534329-T-A.
Other names: c.1192A>T, p.Ile398Phe (NM_001363813.1); short protein forms I398F.
Identifiers: ClinVar variation 1476627 (VCV001476627.6), dbSNP rs2144475667, ClinGen allele CA400678137.